The following is an entry in ClinVar:

NM_001243279.3(ACSF3):c.312C>T (p.Asn104=)

Gene: ACSF3 (acyl-CoA synthetase family member 3; plus strand). Cytogenetic location: 16q24.3.
Variant type: single nucleotide variant.
Coding change: c.312C>T on transcript NM_001243279.3 (MANE Select); coding-DNA position 312, C replaced by T.
Protein change: p.Asn104=; no amino-acid change (asparagine 104 retained).
Molecular consequence: synonymous variant. On other transcripts: non-coding transcript variant (3), intron variant (1).
Genome position (GRCh38, 1-based): chr16:89,100,993, C>T. VCF-style: chr16-89100993-C-T. GRCh37 (hg19) VCF-style: chr16-89167401-C-T.
Other names: c.312C>T, p.Asn104= (NM_001127214.4, NM_174917.5); c.-129-1611C>T (NM_001284316.2).
Identifiers: ClinVar variation 764529 (VCV000764529.35), dbSNP rs749994320, ClinGen allele CA8237607.

ClinVar aggregate classification (germline): Likely benign. Review status: criteria provided, multiple submitters, no conflicts (2 of 4 stars). 3 submissions from 3 submitters: Likely benign (2). 1 of the submissions does not count toward it. Last evaluated 2024-01-28.

Conditions:
Methylmalonic acidemia (MMA). Also called: Isolated Methylmalonic Acidemia. Identifiers: MedGen C0268583, MeSH C537358, MONDO:0002012, HP:0002912.
Combined malonic and methylmalonic acidemia. Identifiers: Orphanet 289504, MedGen C3280314, MONDO:0013661, OMIM 614265.

Allele frequency attached by ClinVar (database versions not stated): TOPMed 0.00001; gnomAD 0.00010.
gnomAD v4.1: 28 of 1,613,404 alleles (0.0017%); highest among the groups gnomAD compares: East Asian, 0.0022%; no homozygotes.

Submissions (3):

Labcorp Genetics (formerly Invitae), Labcorp
Classification: Likely benign for Combined malonic and methylmalonic acidemia. Last evaluated: 2024-01-28. Review status: criteria provided, single submitter. Criteria: Invitae Variant Classification Sherloc (09022015). Collection method: clinical testing. Allele origin: germline.

CeGaT Center for Human Genetics Tuebingen
Classification: Likely benign. Last evaluated: 2022-09-01. Review status: criteria provided, single submitter. Criteria: CeGaT Center For Human Genetics Tuebingen Variant Classification Criteria Version 2. Collection method: clinical testing. Allele origin: germline. Affected: yes. Observed: 1 variant allele.
Comment: ACSF3: BP4, BP7

Natera, Inc.
Classification: Likely benign for Methylmalonic acidemia. Last evaluated: 2020-10-08. Review status: no assertion criteria provided. Collection method: clinical testing. Allele origin: germline. Not counted in ClinVar's aggregate classification.